The following is an entry in ClinVar:

NM_001382430.1(AKT1):c.337C>G (p.Gln113Glu)

Gene: AKT1 (AKT serine/threonine kinase 1; minus strand). Cytogenetic location: 14q32.33.
Variant type: single nucleotide variant.
Coding change: c.337C>G on transcript NM_001382430.1 (MANE Select); coding-DNA position 337, C replaced by G.
Protein change: p.Gln113Glu; replaces glutamine 113 with glutamic acid.
Molecular consequence: missense variant.
Genome position (GRCh38, 1-based): chr14:104,775,750, G>C on the plus strand (C>G on the coding strand, the complement: AKT1 is on the minus strand). VCF-style: chr14-104775750-G-C. GRCh37 (hg19) VCF-style: chr14-105242087-G-C.
Other names: c.337C>G, p.Gln113Glu (NM_001014431.2, NM_001014432.2, NM_001382431.1 and 3 more transcripts); short protein forms Q113E.
Identifiers: ClinVar variation 4267635 (VCV004267635.1).

ClinVar aggregate classification (germline): Uncertain significance (1 of 4 stars; one submission).

Conditions:
Inborn genetic diseases. Identifiers: MedGen C0950123, MeSH D030342.

gnomAD v4.1: 2 of 1,614,022 alleles (0.00012%); highest among the groups gnomAD compares: Non-Finnish European, 0.00017%; no homozygotes.

Submission:

Ambry Genetics
Classification: Uncertain significance for Inborn genetic diseases. Last evaluated: 2025-08-15. Review status: criteria provided, single submitter. Criteria: Ambry Variant Classification Scheme 2023. Collection method: clinical testing. Allele origin: germline.
Comment: The p.Q113E variant (also known as c.337C>G), located in coding exon 4 of the AKT1 gene, results from a C to G substitution at nucleotide position 337. The glutamine at codon 113 is replaced by glutamic acid, an amino acid with highly similar properties. This amino acid position is conserved. In addition, this alteration is predicted to be tolerated by in silico analysis. Based on the available evidence, the clinical significance of this variant remains unclear.